The following is an entry in ClinVar:

NM_000492.4(CFTR):c.2005T>C (p.Phe669Leu)

Gene: CFTR (CF transmembrane conductance regulator; plus strand). Cytogenetic location: 7q31.2.
Variant type: single nucleotide variant.
Coding change: c.2005T>C on transcript NM_000492.4 (MANE Select); coding-DNA position 2005, T replaced by C.
Protein change: p.Phe669Leu; replaces phenylalanine 669 with leucine.
Molecular consequence: missense variant.
Genome position (GRCh38, 1-based): chr7:117,592,172, T>C. VCF-style: chr7-117592172-T-C. GRCh37 (hg19) VCF-style: chr7-117232226-T-C.
Other names: short protein forms F669L.
Identifiers: ClinVar variation 1402018 (VCV001402018.5), dbSNP rs2116031296, ClinGen allele CA368979179.

ClinVar aggregate classification (germline): Uncertain significance (1 of 4 stars; one submission).

Conditions:
Cystic fibrosis (CF). Also called: MUCOVISCIDOSIS. Identifiers: Orphanet 586, MedGen C0010674, MONDO:0009061, OMIM 219700. Disease mechanism: loss of function.

Allele frequency attached by ClinVar (database versions not stated): gnomAD exomes below 0.00001.
gnomAD v4.1: 1 of 1,613,968 alleles (0.000062%); highest among the groups gnomAD compares: Non-Finnish European, 0.000085%; no homozygotes.

Submission:

Labcorp Genetics (formerly Invitae), Labcorp
Classification: Uncertain significance for Cystic fibrosis. Last evaluated: 2021-08-27. Review status: criteria provided, single submitter. Criteria: Invitae Variant Classification Sherloc (09022015). Collection method: clinical testing. Allele origin: germline.
Comment: This sequence change replaces phenylalanine with leucine at codon 669 of the CFTR protein (p.Phe669Leu). The phenylalanine residue is moderately conserved and there is a small physicochemical difference between phenylalanine and leucine. This variant is not present in population databases (ExAC no frequency). This variant has not been reported in the literature in individuals affected with CFTR-related conditions. Algorithms developed to predict the effect of missense changes on protein structure and function (SIFT, PolyPhen-2, Align-GVGD) all suggest that this variant is likely to be tolerated. In summary, the available evidence is currently insufficient to determine the role of this variant in disease. Therefore, it has been classified as a Variant of Uncertain Significance.